The following is an entry in ClinVar:

NM_025137.4(SPG11):c.3034del (p.Tyr1012fs)

Gene: SPG11 (SPG11 vesicle trafficking associated, spatacsin; minus strand). Cytogenetic location: 15q21.1.
Variant type: Deletion.
Coding change: c.3034del on transcript NM_025137.4 (MANE Select); coding-DNA position 3034, one base deleted (T; older notation c.3034delT).
Protein change: p.Tyr1012fs; shifts the reading frame from tyrosine 1012.
Molecular consequence: frameshift variant.
Genome position (GRCh38, 1-based): chr15:44,615,367, A deleted on the plus strand (T on the coding strand, the reverse complement: SPG11 is on the minus strand); the first of 2 consecutive A bases (chr15:44,615,367-44,615,368); deleting either gives the same sequence. VCF-style (leftmost placement, unchanged base first): chr15-44615366-TA-T. GRCh37 (hg19) VCF-style: chr15-44907564-TA-T.
Other names: c.3034del, p.Tyr1012fs (NM_001160227.2); short protein forms Y1012fs.
Identifiers: ClinVar variation 1404034 (VCV001404034.6), dbSNP rs2141014662, ClinGen allele CA2573150863.

ClinVar aggregate classification (germline): Pathogenic (1 of 4 stars; one submission).

Conditions:
Hereditary spastic paraplegia 11. Also called: Nakamura Osame syndrome; Autosomal recessive hereditary spastic paraplegia, mental impairment, and thin corpus callosum; Spastic Paraplegia 11; SPASTIC PARAPLEGIA, AUTOSOMAL RECESSIVE, COMPLICATED, WITH THIN CORPUS CALLOSUM; SPASTIC PARAPLEGIA, AUTOSOMAL RECESSIVE, WITH MENTAL IMPAIRMENT AND THIN CORPUS CALLOSUM; Spastic paraplegia, mental retardation and thin corpus callosum. Identifiers: Orphanet 2822, MedGen C1858479, MONDO:0011445, OMIM 604360.

Submission:

Labcorp Genetics (formerly Invitae), Labcorp
Classification: Pathogenic for Hereditary spastic paraplegia 11. Last evaluated: 2021-02-16. Review status: criteria provided, single submitter. Criteria: Invitae Variant Classification Sherloc (09022015). Collection method: clinical testing. Allele origin: germline.
Comment: This sequence change creates a premature translational stop signal (p.Tyr1012Thrfs*26) in the SPG11 gene. It is expected to result in an absent or disrupted protein product. Loss-of-function variants in SPG11 are known to be pathogenic (PMID: 19105190, 20110243, 22154821). This variant is not present in population databases (ExAC no frequency). For these reasons, this variant has been classified as Pathogenic. This variant has not been reported in the literature in individuals with SPG11-related conditions.

Literature cited by the submitters: PubMed 19105190; PubMed 20110243; PubMed 22154821.